The following is an entry in ClinVar:

ClinVar aggregate classification (germline): Pathogenic. Review status: criteria provided, multiple submitters, no conflicts (2 of 4 stars). 6 submissions from 6 submitters: Pathogenic (6). Last evaluated 2026-01-11.

Conditions:
PEX1-related disorder. Also called: PEX1-related condition.
Heimler syndrome 1 (HMLR1). Also called: PEROXISOME BIOGENESIS DISORDER 1C. Identifiers: Orphanet 3220, MedGen C4551980, OMIM 234580, MONDO:0024544.
Peroxisome biogenesis disorder. Identifiers: Orphanet 79189, MedGen C1832200, MONDO:0019234. Disease mechanism: loss of function.
Zellweger spectrum disorders (ZS). Also called: Zellweger Spectrum; Zellweger syndrome; Zellweger Spectrum Disorder (ZSD); Zellweger Spectrum Disorder. Identifiers: Orphanet 912, MedGen C0043459, MONDO:0019609.

Allele frequency attached by ClinVar (database versions not stated): gnomAD exomes 0.00001 and 0.00002; TOPMed 0.00001.
gnomAD v4.1: 16 of 1,613,758 alleles (0.00099%); highest among the groups gnomAD compares: South Asian, 0.0044%; no homozygotes.

Submissions (6):

Labcorp Genetics (formerly Invitae), Labcorp
Classification: Pathogenic for Zellweger spectrum disorders. Last evaluated: 2026-01-11. Review status: criteria provided, single submitter. Criteria: Invitae Variant Classification Sherloc (09022015). Collection method: clinical testing. Allele origin: germline.
Comment: This sequence change creates a premature translational stop signal (p.Arg790*) in the PEX1 gene. It is expected to result in an absent or disrupted protein product. Loss-of-function variants in PEX1 are known to be pathogenic (PMID: 21031596, 26387595, 31831025). This variant is present in population databases (rs61750417, gnomAD 0.007%). This premature translational stop signal has been observed in individual(s) with peroxisome biogenesis disorder/Zellweger syndrome spectrum (PMID: 12402331, 21031596). ClinVar contains an entry for this variant (Variation ID: 632939). Algorithms developed to predict the effect of sequence changes on RNA splicing suggest that this variant may disrupt the consensus splice site. For these reasons, this variant has been classified as Pathogenic.

Natera, Inc.
Classification: Pathogenic for Zellweger syndrome. Last evaluated: 2025-01-06. Review status: criteria provided, single submitter. Criteria: Natera Variant Classification Schema (03/2026). Collection method: clinical testing. Allele origin: germline.
Comment: The c.2368C>T variant in PEX1 is a nonsense variant predicted to introduce a stop codon at amino acid 790. This variant is expected to result in nonsense mediated decay, truncation, or a dysfunctional protein product. This variant is rare in the general population with a frequency below the threshold expected for the associated phenotype(s). This variant has been observed in one or more individuals affected with the associated recessive disease, as either homozygous or compound heterozygous with a second variant (PMID: 12402331). Given the available evidence, this variant is classified as Pathogenic.

Revvity Omics, Revvity
Classification: Pathogenic. Last evaluated: 2023-12-12. Review status: criteria provided, single submitter. Criteria: ACMG Guidelines, 2015. Collection method: clinical testing. Allele origin: germline.

Baylor Genetics
Classification: Pathogenic for Heimler syndrome 1. Last evaluated: 2023-11-18. Review status: criteria provided, single submitter. Criteria: ACMG Guidelines, 2015. Collection method: clinical testing. Allele origin: unknown.

Blueprint Genetics
Classification: Pathogenic for PEX1-related disorders. Last evaluated: 2023-03-30. Review status: criteria provided, single submitter. Criteria: ACMG Guidelines, 2015. Collection method: clinical testing. Allele origin: germline. Affected: yes. Observed: 3 variant alleles.

Women's Health and Genetics/Laboratory Corporation of America, LabCorp
Classification: Pathogenic for Peroxisome biogenesis disorders, Zellweger syndrome spectrum. Last evaluated: 2017-11-20. Review status: criteria provided, single submitter. Criteria: LabCorp Variant Classification Summary - May 2015. Collection method: clinical testing. Allele origin: germline.
Comment: Variant summary: The PEX1 c.2368C>T (p.Arg790X) variant results in a premature termination codon, predicted to cause a truncated or absent PEX1 protein due to nonsense mediated decay, which are commonly known mechanisms for disease. Truncations downstream of this position have been classified as pathogenic by our laboratory (e.g.c.2916delA/p.Gly973fsX16, c.2992C>T/p.Arg998X). One in silico tool predicts a damaging outcome for this variant. This variant has been reported in multiple patients with Zellweger syndrome spectrum disroders. It was found in 4/245426 control chromosomes at a frequency of 0.0000163, which does not exceed the estimated maximal expected allele frequency of a pathogenic PEX1 variant (0.003873). In addition, one reputable database classified this variant as disease-causing variant. Taken together, this variant is classified as pathogenic.

Literature cited by the submitters: PubMed 21031596 (cited by Labcorp Genetics (formerly Invitae), Labcorp and Women's Health and Genetics/Laboratory Corporation of America, LabCorp); PubMed 26387595 (cited by Labcorp Genetics (formerly Invitae), Labcorp); PubMed 31831025 (cited by Labcorp Genetics (formerly Invitae), Labcorp); PubMed 12402331 (cited by Labcorp Genetics (formerly Invitae), Labcorp and Natera, Inc.).

NM_000466.3(PEX1):c.2368C>T (p.Arg790Ter)

Gene: PEX1 (peroxisomal biogenesis factor 1; minus strand). Cytogenetic location: 7q21.2.
Variant type: single nucleotide variant.
Coding change: c.2368C>T on transcript NM_000466.3 (MANE Select); coding-DNA position 2368, C replaced by T.
Protein change: p.Arg790Ter; replaces arginine 790 with a stop codon.
Molecular consequence: nonsense.
Genome position (GRCh38, 1-based): chr7:92,501,938, G>A on the plus strand (C>T on the coding strand, the complement: PEX1 is on the minus strand). VCF-style: chr7-92501938-G-A. GRCh37 (hg19) VCF-style: chr7-92131252-G-A.
Other names: c.2197C>T, p.Arg733Ter (NM_001282677.2); c.1744C>T, p.Arg582Ter (NM_001282678.2); short protein forms R790*, R582*, R733*.
Identifiers: ClinVar variation 632939 (VCV000632939.19), dbSNP rs61750417, ClinGen allele CA4341148.